The following is an entry in ClinVar:

ClinVar aggregate classification (germline): Likely benign. Review status: criteria provided, multiple submitters, no conflicts (2 of 4 stars). 2 submissions from 2 submitters: Likely benign (2). Last evaluated 2026-02-02.

Allele frequency attached by ClinVar (database versions not stated): ExAC 0.00002; gnomAD 0.00003; gnomAD exomes 0.00003; TOPMed 0.00003.
gnomAD v4.1: 46 of 1,613,458 alleles (0.0029%); highest among the groups gnomAD compares: Non-Finnish European, 0.0036%; no homozygotes.

Submissions (2):

Labcorp Genetics (formerly Invitae), Labcorp
Classification: Likely benign. Last evaluated: 2026-02-02. Review status: criteria provided, single submitter. Criteria: Invitae Variant Classification Sherloc (09022015). Collection method: clinical testing. Allele origin: germline.

CeGaT Center for Human Genetics Tuebingen
Classification: Likely benign. Last evaluated: 2022-11-01. Review status: criteria provided, single submitter. Criteria: CeGaT Center For Human Genetics Tuebingen Variant Classification Criteria Version 2. Collection method: clinical testing. Allele origin: germline. Affected: yes. Observed: 1 variant allele.
Comment: NACC1: BP4, BP7

NM_052876.4(NACC1):c.1128C>T (p.Asn376=)

Gene: NACC1 (nucleus accumbens associated 1; plus strand). Cytogenetic location: 19p13.13.
Variant type: single nucleotide variant.
Coding change: c.1128C>T on transcript NM_052876.4 (MANE Select); coding-DNA position 1128, C replaced by T.
Protein change: p.Asn376=; no amino-acid change (asparagine 376 retained).
Molecular consequence: synonymous variant.
Genome position (GRCh38, 1-based): chr19:13,137,278, C>T. VCF-style: chr19-13137278-C-T. GRCh37 (hg19) VCF-style: chr19-13248092-C-T.
Identifiers: ClinVar variation 1651092 (VCV001651092.32), dbSNP rs544079071, ClinGen allele CA9238444.
Genomic context (GRCh38, chr19:13,137,278, plus strand): 5'-GGCTGTGGCGGTTTGGGGGCACCCCAGGCCATCCTCCGGCTTCCTCTCACCAGGCACCAA[C>T]GTGTACATCACAAGGGCGCAGCTGATGAACTGCCACGTCAGCGCAGGCACGCGGCACAAG-3'
Protein context (NP_443108.1, residues 366-386): SEKLELVTGT[Asn376=]VYITRAQLMN